The following is an entry in ClinVar:

NM_003324.5(TULP3):c.438A>G (p.Ile146Met)

Gene: TULP3 (TUB like protein 3; plus strand). Cytogenetic location: 12p13.33.
Variant type: single nucleotide variant.
Coding change: c.438A>G on transcript NM_003324.5 (MANE Select); coding-DNA position 438, A replaced by G.
Protein change: p.Ile146Met; replaces isoleucine 146 with methionine.
Molecular consequence: missense variant.
Genome position (GRCh38, 1-based): chr12:2,930,291, A>G. VCF-style: chr12-2930291-A-G. GRCh37 (hg19) VCF-style: chr12-3039457-A-G.
Other names: c.438A>G, p.Ile146Met (NM_001160408.2); short protein forms I146M.
Identifiers: ClinVar variation 4085872 (VCV004085872.8).
Genomic context (GRCh38, chr12:2,930,291, plus strand): 5'-TCTTCCTTTTCTGCTAGATATCTCTGAAAGTGTGAACTTCGATGAGGAGACTGATGGAAT[A>G]TCCCAGTCAGCATGTTTAGAAAGACCCAATTCTGCATCAAGCCAGAATTCAACCGTATGT-3'
Protein context (NP_003315.2, residues 136-156): SVNFDEETDG[Ile146Met]SQSACLERPN

ClinVar aggregate classification (germline): Uncertain significance (1 of 4 stars; one submission).

gnomAD v4.1: 7 of 1,613,054 alleles (0.00043%); highest among the groups gnomAD compares: Non-Finnish European, 0.00059%; no homozygotes.

Submission:

CeGaT Center for Human Genetics Tuebingen
Classification: Uncertain significance. Last evaluated: 2025-08-01. Review status: criteria provided, single submitter. Criteria: CeGaT Center For Human Genetics Tuebingen Variant Classification Criteria Version 2. Collection method: clinical testing. Allele origin: germline. Affected: yes. Observed: 1 variant allele.
Comment: TULP3: PM2, BP4